The following is an entry in ClinVar:

NM_001040108.2(MLH3):c.468T>A (p.Pro156=)

Gene: MLH3 (mutL homolog 3; minus strand). Cytogenetic location: 14q24.3.
Variant type: single nucleotide variant.
Coding change: c.468T>A on transcript NM_001040108.2 (MANE Select); coding-DNA position 468, T replaced by A.
Protein change: p.Pro156=; no amino-acid change (proline 156 retained).
Molecular consequence: synonymous variant.
Genome position (GRCh38, 1-based): chr14:75,049,188, A>T on the plus strand (T>A on the coding strand, the complement: MLH3 is on the minus strand). VCF-style: chr14-75049188-A-T. GRCh37 (hg19) VCF-style: chr14-75515891-A-T.
Other names: c.468T>A, p.Pro156= (NM_014381.3).
Identifiers: ClinVar variation 1742474 (VCV001742474.5), dbSNP rs768016364, ClinGen allele CA7276023.

ClinVar aggregate classification (germline): Benign/Likely benign. Review status: criteria provided, multiple submitters, no conflicts (2 of 4 stars). 3 submissions from 3 submitters: Benign (1); Likely benign (2). Last evaluated 2026-04-28.

Conditions:
Colorectal cancer, hereditary nonpolyposis, type 7. Identifiers: Orphanet 144, MedGen C1858380, MONDO:0013725, OMIM 614385.

Allele frequency attached by ClinVar (database versions not stated): ExAC 0.00002; TOPMed below 0.00001.
gnomAD v4.1: 14 of 1,614,190 alleles (0.00087%); highest among the groups gnomAD compares: African/African-American, 0.0027%; no homozygotes.

Submissions (3):

Myriad Genetics, Inc.
Classification: Benign for Colorectal cancer, hereditary nonpolyposis, type 7. Last evaluated: 2026-04-28. Review status: criteria provided, single submitter. Criteria: Myriad Autosomal Dominant, Autosomal Recessive and X-Linked Classification Criteria (2023). Collection method: clinical testing. Allele origin: unknown.
Comment: This variant is considered benign. This variant is a silent/synonymous amino acid change and it is not expected to impact splicing.

Labcorp Genetics (formerly Invitae), Labcorp
Classification: Likely benign for Colorectal cancer, hereditary nonpolyposis, type 7. Last evaluated: 2024-06-06. Review status: criteria provided, single submitter. Criteria: Invitae Variant Classification Sherloc (09022015). Collection method: clinical testing. Allele origin: germline.

Ambry Genetics
Classification: Likely benign. Last evaluated: 2022-03-31. Review status: criteria provided, single submitter. Criteria: Ambry Variant Classification Scheme 2023. Collection method: clinical testing. Allele origin: germline.